The following is an entry in ClinVar:

ClinVar aggregate classification (germline): Uncertain significance. Review status: criteria provided, multiple submitters, no conflicts (2 of 4 stars). 3 submissions from 3 submitters: Uncertain significance (3). Last evaluated 2025-12-03.

Conditions:
Inborn genetic diseases. Identifiers: MedGen C0950123, MeSH D030342.
Charcot-Marie-Tooth disease type 2. Also called: Charcot-Marie-Tooth type 2. Identifiers: Orphanet 64746, MedGen C0270914, MONDO:0018993.

Allele frequency attached by ClinVar (database versions not stated): gnomAD exomes below 0.00001 and 0.00001; gnomAD 0.00005; TOPMed 0.00004.
gnomAD v4.1: 17 of 1,614,038 alleles (0.0011%); highest among the groups gnomAD compares: African/African-American, 0.015%; no homozygotes.

Submissions (3):

Labcorp Genetics (formerly Invitae), Labcorp
Classification: Uncertain significance for Charcot-Marie-Tooth disease type 2. Last evaluated: 2025-12-03. Review status: criteria provided, single submitter. Criteria: Invitae Variant Classification Sherloc (09022015). Collection method: clinical testing. Allele origin: germline.
Comment: This sequence change replaces glycine, which is neutral and non-polar, with valine, which is neutral and non-polar, at codon 456 of the AARS protein (p.Gly456Val). This variant is present in population databases (no rsID available, gnomAD 0.003%). This variant has not been reported in the literature in individuals affected with AARS-related conditions. ClinVar contains an entry for this variant (Variation ID: 246153). Invitae Evidence Modeling of protein sequence and biophysical properties (such as structural, functional, and spatial information, amino acid conservation, physicochemical variation, residue mobility, and thermodynamic stability) indicates that this missense variant is not expected to disrupt AARS protein function with a negative predictive value of 95%. In summary, the available evidence is currently insufficient to determine the role of this variant in disease. Therefore, it has been classified as a Variant of Uncertain Significance.

Ambry Genetics
Classification: Uncertain significance for Inborn genetic diseases. Last evaluated: 2025-05-14. Review status: criteria provided, single submitter. Criteria: Ambry Variant Classification Scheme 2023. Collection method: clinical testing. Allele origin: germline.

GeneDx
Classification: Uncertain significance. Last evaluated: 2019-07-27. Review status: criteria provided, single submitter. Criteria: GeneDx Variant Classification Process June 2021. Collection method: clinical testing. Allele origin: germline. Affected: yes.
Comment: Not observed at a significant frequency in large population cohorts (Lek et al., 2016); In silico analysis, which includes protein predictors and evolutionary conservation, supports a deleterious effect; In silico analysis, which includes protein predictors and evolutionary conservation, supports a deleterious effect; Has not been previously published as pathogenic or benign to our knowledge

NM_001605.3(AARS1):c.1367G>T (p.Gly456Val)

Gene: AARS1 (alanyl-tRNA synthetase 1; minus strand). Cytogenetic location: 16q22.1.
Variant type: single nucleotide variant.
Coding change: c.1367G>T on transcript NM_001605.3 (MANE Select); coding-DNA position 1367, G replaced by T.
Protein change: p.Gly456Val; replaces glycine 456 with valine.
Molecular consequence: missense variant.
Genome position (GRCh38, 1-based): chr16:70,265,083, C>A on the plus strand (G>T on the coding strand, the complement: AARS1 is on the minus strand). VCF-style: chr16-70265083-C-A. GRCh37 (hg19) VCF-style: chr16-70298986-C-A.
Other names: short protein forms G456V.
Identifiers: ClinVar variation 246153 (VCV000246153.12), dbSNP rs879254125, ClinGen allele CA10584532.